The following is an entry in ClinVar:

ClinVar aggregate classification (germline): Pathogenic (1 of 4 stars; one submission).

Allele frequency attached by ClinVar (database versions not stated): TOPMed below 0.00001.

Submission:

Labcorp Genetics (formerly Invitae), Labcorp
Classification: Pathogenic. Last evaluated: 2023-10-15. Review status: criteria provided, single submitter. Criteria: Invitae Variant Classification Sherloc (09022015). Collection method: clinical testing. Allele origin: germline.
Comment: This sequence change creates a premature translational stop signal (p.Ala973Cysfs*70) in the TUBGCP6 gene. It is expected to result in an absent or disrupted protein product. Loss-of-function variants in TUBGCP6 are known to be pathogenic (PMID: 25344692). This variant is not present in population databases (gnomAD no frequency). This variant has not been reported in the literature in individuals affected with TUBGCP6-related conditions. For these reasons, this variant has been classified as Pathogenic.

Literature cited by the submitters: PubMed 25344692.

NM_020461.4(TUBGCP6):c.2915dup (p.Ala973fs)

Gene: TUBGCP6 (tubulin gamma complex component 6; minus strand). Cytogenetic location: 22q13.33.
Variant type: Duplication.
Coding change: c.2915dup on transcript NM_020461.4 (MANE Select); coding-DNA position 2915, one base duplicated (C; older notation c.2915dupC).
Protein change: p.Ala973fs; shifts the reading frame from alanine 973.
Molecular consequence: frameshift variant.
Genome position (GRCh38, 1-based): chr22:50,221,444, G duplicated on the plus strand (C on the coding strand, the reverse complement: TUBGCP6 is on the minus strand). VCF-style (leftmost placement, unchanged base first): chr22-50221443-A-AG. GRCh37 (hg19) VCF-style: chr22-50659872-A-AG.
Other names: short protein forms A973fs.
Identifiers: ClinVar variation 2768772 (VCV002768772.3), dbSNP rs1299282207, ClinGen allele CA754040358.
Genomic context (GRCh38, chr22:50,221,443, plus strand): 5'-CATCTTCCCACAACTGTCCTCCCACAGCTGTAGCCCTGAGCTGCCCAAGCTGCACTCTGC[A>AG]GCCTGCAGGGGCCCTGGTGCAGGTGAGGTGGCCACAGCTGGCCTCAGGACAGTACTAAAG-3'